The following is an entry in ClinVar:

ClinVar aggregate classification (germline): Conflicting classifications of pathogenicity. Review status: criteria provided, conflicting classifications (1 of 4 stars). 10 submissions from 8 submitters: Uncertain significance (5); Benign (1); Likely benign (3). 1 of the submissions does not count toward it. Last evaluated 2026-08-26.

Conditions:
KIT-related disorder. Also called: KIT-related condition.
Hereditary cancer-predisposing syndrome. Also called: Tumor predisposition; Neoplastic Syndromes, Hereditary; Hereditary Cancer Syndrome; Hereditary neoplastic syndrome. Identifiers: Orphanet 140162, MedGen C0027672, MeSH D009386, MONDO:0015356.
Mastocytosis. Also called: Mast Cell Disease. Identifiers: Orphanet 98292, MedGen C0024899, MONDO:0007950, HP:0100495.
Gastrointestinal stromal tumor. Also called: Gastrointestinal stromal tumor, somatic; Gastrointestinal stroma tumor. Identifiers: Orphanet 44890, MedGen C0238198, MeSH D046152, MONDO:0011719, OMIM 606764, HP:0100723.
Piebaldism. Also called: Piebald skin depigmentation. Identifiers: Orphanet 2884, MedGen C0080024, MONDO:0008244, OMIM 172800, HP:0007544.

Allele frequency attached by ClinVar (database versions not stated): ExAC 0.00007; gnomAD 0.00012 and 0.00013; ESP Exome Variant Server 0.00015; TOPMed 0.00017.
gnomAD v4.1: 103 of 1,613,368 alleles (0.0064%); highest among the groups gnomAD compares: East Asian, 0.1%; no homozygotes.

Submissions (10):

PreventionGenetics, part of Exact Sciences
Classification: Uncertain significance for KIT-related condition. Last evaluated: 2026-08-26. Review status: criteria provided, single submitter. Criteria: ACMG Guidelines, 2015. Collection method: clinical testing. Allele origin: germline.
Comment: The KIT c.2263G>A variant is predicted to result in the amino acid substitution p.Ala755Thr. To our knowledge, this variant has not been reported in the literature in individuals with KIT-associated conditions. This variant is reported in 0.040% of alleles in individuals of African descent in gnomAD. This variant has conflicting interpretations in ClinVar ranging from uncertain to benign (Variation ID: 41601). At this time, the clinical significance of this variant is uncertain due to the absence of conclusive functional and genetic evidence.

Myriad Genetics, Inc.
Classification: Likely benign for Gastrointestinal stromal tumor. Last evaluated: 2026-05-29. Review status: criteria provided, single submitter. Criteria: Myriad Autosomal Dominant, Autosomal Recessive and X-Linked Classification Criteria (2023). Collection method: clinical testing. Allele origin: unknown.
Comment: This variant is considered likely benign. This variant has been observed at a population frequency that is significantly greater than expected given the associated disease prevalence and penetrance.

Labcorp Genetics (formerly Invitae), Labcorp
Classification: Uncertain significance for Gastrointestinal stromal tumor. Last evaluated: 2026-01-28. Review status: criteria provided, single submitter. Criteria: Invitae Variant Classification Sherloc (09022015). Collection method: clinical testing. Allele origin: germline.
Comment: This sequence change replaces alanine, which is neutral and non-polar, with threonine, which is neutral and polar, at codon 755 of the KIT protein (p.Ala755Thr). This variant is present in population databases (rs201165084, gnomAD 0.04%), and has an allele count higher than expected for a pathogenic variant. This variant has not been reported in the literature in individuals affected with KIT-related conditions. ClinVar contains an entry for this variant (Variation ID: 41601). An algorithm developed to predict the effect of missense changes on protein structure and function (PolyPhen-2) suggests that this variant is likely to be disruptive. In summary, the available evidence is currently insufficient to determine the role of this variant in disease. Therefore, it has been classified as a Variant of Uncertain Significance.

CeGaT Center for Human Genetics Tuebingen
Classification: Likely benign. Last evaluated: 2025-05-01. Review status: criteria provided, single submitter. Criteria: CeGaT Center For Human Genetics Tuebingen Variant Classification Criteria Version 2. Collection method: clinical testing. Allele origin: germline. Affected: yes. Observed: 1 variant allele.
Comment: KIT: BS1

GeneDx
Classification: Uncertain significance. Last evaluated: 2024-11-17. Review status: criteria provided, single submitter. Criteria: GeneDx Variant Classification Process June 2021. Collection method: clinical testing. Allele origin: germline. Affected: yes.
Comment: Identified in an individual with prostate cancer, in a patient with atherosclerosis evaluated for secondary variants in cancer-susceptibility genes, and as a de novo variant in proband(s) with autism spectrum disorder (PMID: 22703879, 34754157, 35982160, 35982159, 36095024); In silico analysis indicates that this missense variant does not alter protein structure/function; This variant is associated with the following publications: (PMID: 27023146, 34754157, 32194744, 36095024, 35982159, 22703879, 35982160)

Ambry Genetics
Classification: Benign for Hereditary cancer-predisposing syndrome. Last evaluated: 2024-08-20. Review status: criteria provided, single submitter. Criteria: Ambry Variant Classification Scheme 2023. Collection method: clinical testing. Allele origin: germline.

Illumina Laboratory Services, Illumina
Classification: Likely benign for Cutaneous mastocytosis. Last evaluated: 2017-04-27. Review status: criteria provided, single submitter. Criteria: ICSL Variant Classification Criteria 13 December 2019. Collection method: clinical testing. Allele origin: germline.
Comment: This variant was observed as part of a predisposition screen in an ostensibly healthy population. A literature search was performed for the gene, cDNA change, and amino acid change (where applicable). Publications were found based on this search. The evidence from the literature, in combination with allele frequency data from public databases where available, was sufficient to determine this variant is unlikely to cause disease. Therefore, this variant is classified as likely benign.

Illumina Laboratory Services, Illumina
Classification: Uncertain significance for Gastrointestinal stromal tumor. Last evaluated: 2017-04-27. Review status: criteria provided, single submitter. Criteria: ICSL Variant Classification Criteria 13 December 2019. Collection method: clinical testing. Allele origin: germline.
Comment: This variant was observed as part of a predisposition screen in an ostensibly healthy population. A literature search was performed for the gene, cDNA change, and amino acid change (where applicable). Publications were found based on this search. However, the evidence from the literature, in combination with allele frequency data from public databases where available, was not sufficient to rule this variant in or out of causing disease. Therefore, this variant is classified as a variant of unknown significance.

Illumina Laboratory Services, Illumina
Classification: Uncertain significance for Piebaldism. Last evaluated: 2017-04-27. Review status: criteria provided, single submitter. Criteria: ICSL Variant Classification Criteria 13 December 2019. Collection method: clinical testing. Allele origin: germline.
Comment: the same text as in the submission from Illumina Laboratory Services, Illumina above.

Biesecker Lab/Clinical Genomics Section, National Institutes of Health
Classification: Uncertain significance. Last evaluated: 2012-07-13. Review status: no assertion criteria provided. Collection method: research. Allele origin: germline. Affected: no. Observed: 1 variant allele. Study: ClinSeq. Not counted in ClinVar's aggregate classification.
ClinVar note: Converted during submission from variant of unknown significance to Uncertain significance.

Literature cited by the submitters: PubMed 27023146 (cited by Illumina Laboratory Services, Illumina).

NM_000222.3(KIT):c.2263G>A (p.Ala755Thr)

Gene: KIT (KIT proto-oncogene, receptor tyrosine kinase; plus strand). Cytogenetic location: 4q12.
Variant type: single nucleotide variant.
Coding change: c.2263G>A on transcript NM_000222.3 (MANE Select); coding-DNA position 2263, G replaced by A.
Protein change: p.Ala755Thr; replaces alanine 755 with threonine.
Molecular consequence: missense variant.
Genome position (GRCh38, 1-based): chr4:54,731,900, G>A. VCF-style: chr4-54731900-G-A. GRCh37 (hg19) VCF-style: chr4-55598066-G-A.
Other names: c.2251G>A, p.Ala751Thr (NM_001093772.2, NM_001385292.1); c.2266G>A, p.Ala756Thr (NM_001385284.1); c.2260G>A, p.Ala754Thr (NM_001385285.1); c.2248G>A, p.Ala750Thr (NM_001385286.1); c.2254G>A, p.Ala752Thr (NM_001385288.1); c.2263G>A, p.Ala755Thr (NM_001385290.1); short protein forms A755T, A751T, A750T, A752T, A754T, A756T.
Identifiers: ClinVar variation 41601 (VCV000041601.35), dbSNP rs201165084, ClinGen allele CA215590.